The following is an entry in ClinVar:

ClinVar aggregate classification (germline): Conflicting classifications of pathogenicity. Review status: criteria provided, conflicting classifications (1 of 4 stars). 2 submissions from 2 submitters: Uncertain significance (1); Likely benign (1). Last evaluated 2023-11-16.

Allele frequency attached by ClinVar (database versions not stated): TOPMed below 0.00001.
gnomAD v4.1: 2 of 1,614,086 alleles (0.00012%); highest among the groups gnomAD compares: Non-Finnish European, 0.00017%; no homozygotes.

Submissions (2):

Labcorp Genetics (formerly Invitae), Labcorp
Classification: Uncertain significance. Last evaluated: 2023-11-16. Review status: criteria provided, single submitter. Criteria: Invitae Variant Classification Sherloc (09022015). Collection method: clinical testing. Allele origin: germline.
Comment: This sequence change affects codon 467 of the MARS2 mRNA. It is a 'silent' change, meaning that it does not change the encoded amino acid sequence of the MARS2 protein. This variant is not present in population databases (gnomAD no frequency). This variant has not been reported in the literature in individuals affected with MARS2-related conditions. In summary, the available evidence is currently insufficient to determine the role of this variant in disease. Therefore, it has been classified as a Variant of Uncertain Significance.

Blueprint Genetics
Classification: Likely benign. Last evaluated: 2023-04-04. Review status: criteria provided, single submitter. Criteria: ACMG Guidelines, 2015. Collection method: clinical testing. Allele origin: germline.

NM_138395.4(MARS2):c.1401T>C (p.Phe467=)

Gene: MARS2 (methionyl-tRNA synthetase 2, mitochondrial; plus strand). Cytogenetic location: 2q33.1.
Variant type: single nucleotide variant.
Coding change: c.1401T>C on transcript NM_138395.4 (MANE Select); coding-DNA position 1401, T replaced by C.
Protein change: p.Phe467=; no amino-acid change (phenylalanine 467 retained).
Molecular consequence: synonymous variant.
Genome position (GRCh38, 1-based): chr2:197,706,806, T>C. VCF-style: chr2-197706806-T-C. GRCh37 (hg19) VCF-style: chr2-198571530-T-C.
Identifiers: ClinVar variation 2771594 (VCV002771594.4), dbSNP rs2089480462, ClinGen allele CA430823308.